The following is an entry in ClinVar:

NM_018136.5(ASPM):c.7105C>T (p.Gln2369Ter)

Gene: ASPM (assembly factor for spindle microtubules; minus strand). Cytogenetic location: 1q31.3.
Variant type: single nucleotide variant.
Coding change: c.7105C>T on transcript NM_018136.5 (MANE Select); coding-DNA position 7105, C replaced by T.
Protein change: p.Gln2369Ter; replaces glutamine 2369 with a stop codon.
Molecular consequence: nonsense. On other transcripts: intron variant (1).
Genome position (GRCh38, 1-based): chr1:197,102,146, G>A on the plus strand (C>T on the coding strand, the complement: ASPM is on the minus strand). VCF-style: chr1-197102146-G-A. GRCh37 (hg19) VCF-style: chr1-197071276-G-A.
Other names: c.7105C>T (NM_018136.4); c.4066-5982C>T (NM_001206846.2); short protein forms Q2369*.
Identifiers: ClinVar variation 1395316 (VCV001395316.7), dbSNP rs751436140, ClinGen allele CA344020226.

ClinVar aggregate classification (germline): Pathogenic. Review status: criteria provided, multiple submitters, no conflicts (2 of 4 stars). 2 submissions from 2 submitters: Pathogenic (2). Last evaluated 2025-12-29.

Allele frequency attached by ClinVar (database versions not stated): gnomAD exomes below 0.00001.
gnomAD v4.1: 5 of 1,612,784 alleles (0.00031%); highest among the groups gnomAD compares: Non-Finnish European, 0.00034%; no homozygotes.

Submissions (2):

Labcorp Genetics (formerly Invitae), Labcorp
Classification: Pathogenic. Last evaluated: 2025-12-29. Review status: criteria provided, single submitter. Criteria: Invitae Variant Classification Sherloc (09022015). Collection method: clinical testing. Allele origin: germline.
Comment: This sequence change creates a premature translational stop signal (p.Gln2369*) in the ASPM gene. It is expected to result in an absent or disrupted protein product. Loss-of-function variants in ASPM are known to be pathogenic (PMID: 19028728, 23611254). This variant is present in population databases (no rsID available, gnomAD 0.0009%). This variant has not been reported in the literature in individuals affected with ASPM-related conditions. ClinVar contains an entry for this variant (Variation ID: 1395316). For these reasons, this variant has been classified as Pathogenic.

GeneDx
Classification: Pathogenic. Last evaluated: 2024-02-23. Review status: criteria provided, single submitter. Criteria: GeneDx Variant Classification Process June 2021. Collection method: clinical testing. Allele origin: germline. Affected: yes.
Comment: Nonsense variant predicted to result in protein truncation or nonsense mediated decay in a gene for which loss of function is a known mechanism of disease; Not observed at a significant frequency in large population cohorts (gnomAD); Has not been previously published as pathogenic or benign to our knowledge

Literature cited by the submitters: PubMed 19028728 (cited by Labcorp Genetics (formerly Invitae), Labcorp); PubMed 23611254 (cited by Labcorp Genetics (formerly Invitae), Labcorp).